The following is an entry in ClinVar:

ClinVar aggregate classification (germline): Uncertain significance (1 of 4 stars; one submission).

Conditions:
Primary ciliary dyskinesia 6. Also called: Primary Ciliary Dyskinesia 6: TXNDC3-Related Primary Ciliary Dyskinesia. Identifiers: Orphanet 244, MedGen C1970506, MONDO:0012571, OMIM 610852.

Submission:

Labcorp Genetics (formerly Invitae), Labcorp
Classification: Uncertain significance for Primary ciliary dyskinesia 6. Last evaluated: 2024-04-02. Review status: criteria provided, single submitter. Criteria: Invitae Variant Classification Sherloc (09022015). Collection method: clinical testing. Allele origin: germline.
Comment: This sequence change creates a premature translational stop signal (p.Thr240Profs*27) in the NME8 gene. It is expected to result in an absent or disrupted protein product. However, the current clinical and genetic evidence is not sufficient to establish whether loss-of-function variants in NME8 cause disease. This variant is not present in population databases (gnomAD no frequency). This variant has not been reported in the literature in individuals affected with NME8-related conditions. In summary, the available evidence is currently insufficient to determine the role of this variant in disease. Therefore, it has been classified as a Variant of Uncertain Significance.

NM_016616.5(NME8):c.718del (p.Thr240fs)

Gene: NME8 (NME/NM23 family member 8; plus strand). Cytogenetic location: 7p14.1.
Variant type: Deletion.
Coding change: c.718del on transcript NM_016616.5 (MANE Select); coding-DNA position 718, one base deleted (A; older notation c.718delA).
Protein change: p.Thr240fs; shifts the reading frame from threonine 240.
Molecular consequence: frameshift variant.
Genome position (GRCh38, 1-based): chr7:37,867,798, A deleted; the last of 3 consecutive A bases (chr7:37,867,796-37,867,798); deleting any one gives the same sequence. VCF-style (leftmost placement, unchanged base first): chr7-37867795-GA-G. GRCh37 (hg19) VCF-style: chr7-37907397-GA-G.
Other names: short protein forms T240fs.
Identifiers: ClinVar variation 3703340 (VCV003703340.2).
Genomic context (GRCh38, chr7:37,867,795, plus strand): 5'-AGTGGCTTAAGCTATATTCTAGTTGTATCTCAAGGAAGTAAACACAATCCTCCCTCTGAA[GA>G]AACCGAACCACAGACTGACACCGAACCTAACGAACGATCTGAGGATCAACCTGAGGTCGA-3'